The following is an entry in ClinVar:

NM_006073.4(TRDN):c.214G>T (p.Asp72Tyr)

Gene: TRDN (triadin; minus strand). Cytogenetic location: 6q22.31.
Variant type: single nucleotide variant.
Coding change: c.214G>T on transcript NM_006073.4 (MANE Select); coding-DNA position 214, G replaced by T.
Protein change: p.Asp72Tyr; replaces aspartic acid 72 with tyrosine.
Molecular consequence: missense variant.
Genome position (GRCh38, 1-based): chr6:123,570,941, C>A on the plus strand (G>T on the coding strand, the complement: TRDN is on the minus strand). VCF-style: chr6-123570941-C-A. GRCh37 (hg19) VCF-style: chr6-123892086-C-A.
Other names: c.214G>T, p.Asp72Tyr (NM_001251987.2, NM_001256020.2, NM_001256021.2 and 2 more transcripts); short protein forms D72Y.
Identifiers: ClinVar variation 1786727 (VCV001786727.2), dbSNP rs919863113, ClinGen allele CA147302738.

ClinVar aggregate classification (germline): Uncertain significance (1 of 4 stars; one submission).

Conditions:
Cardiovascular phenotype. Identifiers: MedGen CN230736.

Submission:

Ambry Genetics
Classification: Uncertain significance for Cardiovascular phenotype. Last evaluated: 2022-10-02. Review status: criteria provided, single submitter. Criteria: Ambry Variant Classification Scheme 2023. Collection method: clinical testing. Allele origin: germline.
Comment: The p.D72Y variant (also known as c.214G>T), located in coding exon 2 of the TRDN gene, results from a G to T substitution at nucleotide position 214. The aspartic acid at codon 72 is replaced by tyrosine, an amino acid with highly dissimilar properties. This amino acid position is conserved. In addition, this alteration is predicted to be deleterious by in silico analysis. Since supporting evidence is limited at this time, the clinical significance of this alteration remains unclear.